The following is an entry in ClinVar:

NM_006231.4(POLE):c.6148T>C (p.Phe2050Leu)

Gene: POLE (DNA polymerase epsilon, catalytic subunit; minus strand). Cytogenetic location: 12q24.33.
Variant type: single nucleotide variant.
Coding change: c.6148T>C on transcript NM_006231.4 (MANE Select); coding-DNA position 6148, T replaced by C.
Protein change: p.Phe2050Leu; replaces phenylalanine 2050 with leucine.
Molecular consequence: missense variant.
Genome position (GRCh38, 1-based): chr12:132,632,497, A>G on the plus strand (T>C on the coding strand, the complement: POLE is on the minus strand). VCF-style: chr12-132632497-A-G. GRCh37 (hg19) VCF-style: chr12-133209083-A-G.
Other names: c.6148T>C (NM_006231.2); short protein forms F2050L.
Identifiers: ClinVar variation 646840 (VCV000646840.12), dbSNP rs1593708231, ClinGen allele CA387370048.

ClinVar aggregate classification (germline): Uncertain significance. Review status: criteria provided, multiple submitters, no conflicts (2 of 4 stars). 2 submissions from 2 submitters: Uncertain significance (2). Last evaluated 2024-04-22.

Conditions:
Hereditary cancer-predisposing syndrome. Also called: Hereditary Cancer Syndrome; Tumor predisposition; Hereditary neoplastic syndrome; Neoplastic Syndromes, Hereditary. Identifiers: Orphanet 140162, MedGen C0027672, MeSH D009386, MONDO:0015356.

Allele frequency attached by ClinVar (database versions not stated): gnomAD exomes below 0.00001.
gnomAD v4.1: 3 of 1,614,074 alleles (0.00019%); highest among the groups gnomAD compares: Non-Finnish European, 0.00017%; no homozygotes.

Submissions (2):

Labcorp Genetics (formerly Invitae), Labcorp
Classification: Uncertain significance. Last evaluated: 2024-04-22. Review status: criteria provided, single submitter. Criteria: Invitae Variant Classification Sherloc (09022015). Collection method: clinical testing. Allele origin: germline.
Comment: This sequence change replaces phenylalanine, which is neutral and non-polar, with leucine, which is neutral and non-polar, at codon 2050 of the POLE protein (p.Phe2050Leu). This variant is not present in population databases (gnomAD no frequency). This variant has not been reported in the literature in individuals affected with POLE-related conditions. ClinVar contains an entry for this variant (Variation ID: 646840). Advanced modeling of protein sequence and biophysical properties (such as structural, functional, and spatial information, amino acid conservation, physicochemical variation, residue mobility, and thermodynamic stability) performed at Invitae indicates that this missense variant is not expected to disrupt POLE protein function with a negative predictive value of 80%. In summary, the available evidence is currently insufficient to determine the role of this variant in disease. Therefore, it has been classified as a Variant of Uncertain Significance.

Ambry Genetics
Classification: Uncertain significance for Hereditary cancer-predisposing syndrome. Last evaluated: 2023-07-01. Review status: criteria provided, single submitter. Criteria: Ambry Variant Classification Scheme 2023. Collection method: clinical testing. Allele origin: germline.
Comment: The p.F2050L variant (also known as c.6148T>C), located in coding exon 45 of the POLE gene, results from a T to C substitution at nucleotide position 6148. The phenylalanine at codon 2050 is replaced by leucine, an amino acid with highly similar properties. This amino acid position is conserved. In addition, the in silico prediction for this alteration is inconclusive. Since supporting evidence is limited at this time, the clinical significance of this alteration remains unclear.